The following is an entry in ClinVar:

NM_000059.4(BRCA2):c.8482A>G (p.Ile2828Val)

Gene: BRCA2 (BRCA2 DNA repair associated; plus strand). Cytogenetic location: 13q13.1.
Variant type: single nucleotide variant.
Coding change: c.8482A>G on transcript NM_000059.4 (MANE Select); coding-DNA position 8482, A replaced by G.
Protein change: p.Ile2828Val; replaces isoleucine 2828 with valine.
Molecular consequence: missense variant.
Genome position (GRCh38, 1-based): chr13:32,370,552, A>G. VCF-style: chr13-32370552-A-G. GRCh37 (hg19) VCF-style: chr13-32944689-A-G.
Other names: 8710A>G; short protein forms I2828V.
Identifiers: ClinVar variation 52599 (VCV000052599.32), dbSNP rs80359098, ClinGen allele CA025664.
Genomic context (GRCh38, chr13:32,370,552, plus strand): 5'-CTTTTCAGTGATGGAGGAAATGTTGGTTGTGTTGATGTAATTATTCAAAGAGCATACCCT[A>G]TACAGGTATGATGTATTCTTGAAACTTACCATATATTTCTTTCTTTTGATACAATTAATT-3'
Protein context (NP_000050.3, residues 2818-2838): VDVIIQRAYP[Ile2828Val]QWMEKTSSGL

ClinVar aggregate classification (germline): Conflicting classifications of pathogenicity. Review status: criteria provided, conflicting classifications (1 of 4 stars). 12 submissions from 12 submitters: Uncertain significance (7); Benign (1). 4 of the submissions do not count toward it. Last evaluated 2026-05-27.

Conditions:
BRCA2-related cancer predisposition. Identifiers: MedGen CN377758, MONDO:0700269.
BRCA2-related disorder. Also called: BRCA2-related condition; BRCA2-related disorders. Identifiers: MedGen CN239275.
Hereditary cancer-predisposing syndrome. Also called: Hereditary Cancer Syndrome; Neoplastic Syndromes, Hereditary; Hereditary neoplastic syndrome; Tumor predisposition. Identifiers: Orphanet 140162, MedGen C0027672, MeSH D009386, MONDO:0015356.
Hereditary breast ovarian cancer syndrome. Also called: Hereditary breast and ovarian cancer syndrome; Breast and ovarian cancer; Hereditary breast and ovarian cancer syndrome (HBOC); BRCA1- and BRCA2-Associated Hereditary Breast and Ovarian Cancer; Hereditary breast and/or ovarian cancer syndrome; Hereditary breast and ovarian cancer. Identifiers: Orphanet 145, MedGen C0677776, MeSH D061325, MONDO:0003582. Disease mechanism: loss of function.
Breast-ovarian cancer, familial, susceptibility to, 2 (BROVCA2). Also called: BRCA2 Hereditary Breast and Ovarian Cancer. Identifiers: Orphanet 145, MedGen C2675520, MONDO:0012933, OMIM 612555. Disease mechanism: loss of function.
Prostate cancer. Also called: Malignant tumor of prostate. Identifiers: Orphanet 1331, MedGen C0376358, MONDO:0008315, HP:0012125.

Allele frequency attached by ClinVar (database versions not stated): ExAC 0.00001; TOPMed 0.00002.
gnomAD v4.1: 7 of 1,610,062 alleles (0.00043%); highest among the groups gnomAD compares: Non-Finnish European, 0.00043%; no homozygotes.

Submissions (12):

Women's Health and Genetics/Laboratory Corporation of America, LabCorp
Classification: Uncertain significance. Last evaluated: 2026-05-27. Review status: criteria provided, single submitter. Criteria: LabCorp Variant Classification Summary - May 2015. Collection method: clinical testing. Allele origin: germline.
Comment: Variant summary: BRCA2 c.8482A>G (p.Ile2828Val) results in a conservative amino acid change in the encoded protein sequence. Algorithms developed to predict the effect of missense changes on protein structure and function all suggest that this variant is likely to be tolerated. The variant allele was found at a frequency of 4e-06 in 251280 control chromosomes. The available data on variant occurrences in the general population are insufficient to allow any conclusion about variant significance. c.8482A>G has been observed in individual(s) affected with breast and/or ovarian cancer without strong evidence of causality (Manguolu_2010, Peixoto_2015, Buzolin_2017, de Oliveira_2022, Guindalin_2022, Rodriguez-Hernandez_2025). These report(s) do not provide unequivocal conclusions about association of the variant with disease. To our knowledge, no experimental evidence demonstrating an impact on protein function has been reported. The following publications have been ascertained in the context of this evaluation (PMID: 28651617, 35264596, 21156238, 24916970, 40209283, 35534704). ClinVar contains an entry for this variant (Variation ID: 52599). Based on the evidence outlined above, the variant was classified as uncertain significance.

Labcorp Genetics (formerly Invitae), Labcorp
Classification: Uncertain significance for Hereditary breast ovarian cancer syndrome. Last evaluated: 2025-07-14. Review status: criteria provided, single submitter. Criteria: Invitae Variant Classification Sherloc (09022015). Collection method: clinical testing. Allele origin: germline.
Comment: This sequence change replaces isoleucine, which is neutral and non-polar, with valine, which is neutral and non-polar, at codon 2828 of the BRCA2 protein (p.Ile2828Val). This variant is present in population databases (rs80359098, gnomAD 0.0009%). This missense change has been observed in individual(s) with breast/ovarian cancer (PMID: 16826315, 21156238, 24916970, 35264596, 35534704). This variant is also known as c.8710A>G. ClinVar contains an entry for this variant (Variation ID: 52599). Invitae Evidence Modeling of protein sequence and biophysical properties (such as structural, functional, and spatial information, amino acid conservation, physicochemical variation, residue mobility, and thermodynamic stability) indicates that this missense variant is not expected to disrupt BRCA2 protein function with a negative predictive value of 95%. In summary, the available evidence is currently insufficient to determine the role of this variant in disease. Therefore, it has been classified as a Variant of Uncertain Significance.

Quest Diagnostics Nichols Institute San Juan Capistrano
Classification: Uncertain significance. Last evaluated: 2025-06-18. Review status: criteria provided, single submitter. Criteria: Quest Diagnostics criteria. Collection method: clinical testing. Allele origin: unknown.
Comment: The BRCA2 c.8482A>G (p.Ile2828Val) variant has been reported in the published literature in in individuals and families affected with breast and/or ovarian cancer (PMID: 21156238 (2010), 33471991 (2021), 35534704 (2022), 35264596 (2022), see also LOVD), as well as in a reportedly unaffected individual (PMIDs: 33471991 (2021), see also LOVD). The frequency of this variant in the general population (Genome Aggregation Database) is uninformative in the assessment of its pathogenicity. Analysis of this variant using bioinformatics tools for the prediction of the effect of amino acid changes on protein structure and function yielded predictions that this variant is benign. Based on the available information, we are unable to determine the clinical significance of this variant.

Ambry Genetics
Classification: Benign for Hereditary cancer-predisposing syndrome. Last evaluated: 2025-05-19. Review status: criteria provided, single submitter. Criteria: Ambry Variant Classification Scheme 2023. Collection method: clinical testing. Allele origin: germline.

All of Us Research Program, National Institutes of Health
Classification: Uncertain significance for BRCA2-related cancer predisposition. Last evaluated: 2024-07-10. Review status: criteria provided, single submitter. Criteria: ACMG Guidelines, 2015. Collection method: clinical testing. Allele origin: germline. Inheritance: Autosomal dominant inheritance. Observed: 3 variant alleles, 3 heterozygotes.
Comment: This missense variant replaces isoleucine with valine at codon 2828 of the BRCA2 protein. This variant is also known as 8710A>G in the literature. Computational prediction suggests that this variant may not impact protein structure and function (internally defined REVEL score threshold <= 0.5, PMID: 27666373). To our knowledge, functional studies have not been reported for this variant. This variant has been reported in 1 individual affected with early-onset breast cancer (PMID: 21156238). In a large breast cancer case-control study conducted by the BRIDGES consortium, this variant was reported in 1/60466 cases and 1/53461 unaffected controls, showing inconclusive association with disease (OR=0.884, 95%CI 0.055 to 14.136, p-value=1) (PMID: 33471991). This variant has been identified in 1/251280 chromosomes in the general population by the Genome Aggregation Database (gnomAD). The available evidence is insufficient to determine the role of this variant in disease conclusively. Therefore, this variant is classified as a Variant of Uncertain Significance.

This study involves interpretation of variants in research participants for the purpose of population health screening. Participant phenotype was not available at the time of variant classification. Additional details can be found in publication PMID: 35346344, PMCID: PMC8962531

Color Diagnostics, LLC DBA Color Health
Classification: Uncertain significance for Hereditary cancer-predisposing syndrome. Last evaluated: 2024-05-13. Review status: criteria provided, single submitter. Criteria: ACMG Guidelines, 2015. Collection method: clinical testing. Allele origin: germline.
Comment: This missense variant replaces isoleucine with valine at codon 2828 of the BRCA2 protein. This variant is also known as 8710A>G in the literature. Computational prediction suggests that this variant may not impact protein structure and function. To our knowledge, functional studies have not been reported for this variant. This variant has been reported in individuals affected with breast cancer (PMID: 21156238, 35264596). In a large breast cancer case-control meta analysis conducted by the BRIDGES consortium, this variant was reported in 1/60466 cases and 1/53461 unaffected controls (PMID: 33471991; Leiden Open Variation Database DB-ID BRCA2_000332). This variant has been identified in 1/251280 chromosomes in the general population by the Genome Aggregation Database (gnomAD). The available evidence is insufficient to determine the role of this variant in disease conclusively. Therefore, this variant is classified as a Variant of Uncertain Significance.

Laboratorio de Genetica e Diagnostico Molecular, Hospital Israelita Albert Einstein
Classification: Uncertain significance for Familial prostate cancer. Last evaluated: 2022-10-28. Review status: criteria provided, single submitter. Criteria: ACMG Guidelines, 2015. Collection method: clinical testing. Allele origin: germline. Affected: yes. Observed: 1 variant allele.
Comment: ACMG classification criteria: PM2 supporting, BP4 supporting

Mendelics
Classification: Uncertain significance for Breast-ovarian cancer, familial, susceptibility to, 2. Last evaluated: 2019-05-28. Review status: criteria provided, single submitter. Criteria: Mendelics Assertion Criteria 2017. Collection method: clinical testing. Allele origin: unknown.

PreventionGenetics, part of Exact Sciences
Classification: Uncertain significance for BRCA2-related condition. Last evaluated: 2024-07-20. Review status: no assertion criteria provided. Collection method: clinical testing. Allele origin: germline. Not counted in ClinVar's aggregate classification.
Comment: The BRCA2 c.8482A>G variant is predicted to result in the amino acid substitution p.Ile2828Val. This variant has been reported as a variant of uncertain significance in patients with breast and ovarian cancer (Buzolin et al 2017. PubMed ID: 28651617; Guindalini RSC et al 2022. PubMed ID: 35264596; de Oliveira JM et al 2022. PubMed ID: 35534704). This variant is reported in 0.00088% of alleles in individuals of European (Non-Finnish) descent in gnomAD and is interpreted as a variant of uncertain significance in ClinVar. At this time, the clinical significance of this variant is uncertain due to the absence of conclusive functional and genetic evidence.

Counsyl
Classification: Uncertain significance for Breast-ovarian cancer, familial, susceptibility to, 2. Last evaluated: 2018-05-21. Review status: no assertion criteria provided. Collection method: clinical testing. Allele origin: unknown. Not counted in ClinVar's aggregate classification.

Sharing Clinical Reports Project (SCRP)
Classification: Uncertain significance for Breast-ovarian cancer, familial 2. Last evaluated: 2011-08-22. Review status: no assertion criteria provided. Collection method: clinical testing. Allele origin: germline. Not counted in ClinVar's aggregate classification.

Breast Cancer Information Core (BIC) (BRCA2)
Classification: Uncertain significance for Breast-ovarian cancer, familial 2. Last evaluated: 2004-02-20. Review status: no assertion criteria provided. Collection method: clinical testing. Allele origin: germline. Affected: yes. Observed: 1 variant allele. Not counted in ClinVar's aggregate classification.

Literature cited by the submitters: PubMed 21156238 (cited by 7 submitters); PubMed 24916970 (cited by 5 submitters); PubMed 28651617 (cited by Women's Health and Genetics/Laboratory Corporation of America, LabCorp and Quest Diagnostics Nichols Institute San Juan Capistrano); PubMed 35264596 (cited by 5 submitters); PubMed 35534704 (cited by 3 submitters); PubMed 40209283 (cited by Women's Health and Genetics/Laboratory Corporation of America, LabCorp); PubMed 16826315 (cited by Labcorp Genetics (formerly Invitae), Labcorp and Quest Diagnostics Nichols Institute San Juan Capistrano); PubMed 19043619 (cited by Quest Diagnostics Nichols Institute San Juan Capistrano and Counsyl); PubMed 33471991 (cited by 3 submitters).